The following is an entry in ClinVar:

ClinVar aggregate classification (germline): Pathogenic (1 of 4 stars; one submission).

Conditions:
Werner syndrome (WRN). Identifiers: Orphanet 902, MedGen C0043119, MONDO:0010196, OMIM 277700.

Submission:

Labcorp Genetics (formerly Invitae), Labcorp
Classification: Pathogenic for Werner syndrome. Last evaluated: 2025-07-14. Review status: criteria provided, single submitter. Criteria: Invitae Variant Classification Sherloc (09022015). Collection method: clinical testing. Allele origin: germline.
Comment: This sequence change creates a premature translational stop signal (p.Leu690*) in the WRN gene. It is expected to result in an absent or disrupted protein product. Loss-of-function variants in WRN are known to be pathogenic (PMID: 16673358). This variant is not present in population databases (gnomAD no frequency). This variant has not been reported in the literature in individuals affected with WRN-related conditions. ClinVar contains an entry for this variant (Variation ID: 1351356). For these reasons, this variant has been classified as Pathogenic.

Literature cited by the submitters: PubMed 16673358.

NM_000553.6(WRN):c.2068del (p.Ser689_Leu690insTer)

Gene: WRN (WRN RecQ like helicase; plus strand). Cytogenetic location: 8p12.
Variant type: Deletion.
Coding change: c.2068del on transcript NM_000553.6 (MANE Select); coding-DNA position 2068, one base deleted (C; older notation c.2068delC).
Protein change: p.Ser689_Leu690insTer.
Molecular consequence: nonsense.
Genome position (GRCh38, 1-based): chr8:31,100,935, C deleted; the last of 3 consecutive C bases (chr8:31,100,933-31,100,935); deleting any one gives the same sequence. VCF-style (leftmost placement, unchanged base first): chr8-31100932-TC-T. GRCh37 (hg19) VCF-style: chr8-30958448-TC-T.
Identifiers: ClinVar variation 1351356 (VCV001351356.6), dbSNP rs2130229956, ClinGen allele CA2573142651.